The following is an entry in ClinVar:

NM_002016.2(FLG):c.1485G>A (p.Ser495=)

Genes: CCDST (cervical cancer associated DHX9 suppressive transcript; plus strand), FLG (filaggrin; minus strand). Cytogenetic location: 1q21.3.
Variant type: single nucleotide variant.
Coding change: c.1485G>A on transcript NM_002016.2 (MANE Select); coding-DNA position 1485, G replaced by A.
Protein change: p.Ser495=; no amino-acid change (serine 495 retained).
Molecular consequence: synonymous variant.
Genome position (GRCh38, 1-based): chr1:152,313,401, C>T on the plus strand (G>A on the coding strand, the complement: FLG is on the minus strand). VCF-style: chr1-152313401-C-T. GRCh37 (hg19) VCF-style: chr1-152285877-C-T.
Identifiers: ClinVar variation 1226244 (VCV001226244.6), dbSNP rs75530805, ClinGen allele CA1107615.

ClinVar aggregate classification (germline): Benign. Review status: criteria provided, multiple submitters, no conflicts (2 of 4 stars). 3 submissions from 3 submitters: Benign (2). 1 of the submissions does not count toward it. Last evaluated 2019-02-04.

Conditions:
FLG-related disorder. Also called: FLG-related disorders; FLG-related condition.

Allele frequency attached by ClinVar (database versions not stated): 1000 Genomes Project 0.01318; 1000 Genomes Project 30x 0.01327; ESP Exome Variant Server 0.01661; TOPMed 0.01680.
gnomAD v4.1: 4,374 of 1,613,494 alleles (0.27%); highest among the groups gnomAD compares: African/African-American, 5.1%; 106 homozygotes.

Submissions (3):

GeneDx
Classification: Benign. Last evaluated: 2019-02-04. Review status: criteria provided, single submitter. Criteria: GeneDx Variant Classification Process June 2021. Collection method: clinical testing. Allele origin: germline. Affected: yes.

Breakthrough Genomics
Classification: Benign. Review status: criteria provided, single submitter. Criteria: ACMG Guidelines, 2015. Collection method: not provided. Allele origin: germline. Inheritance: Autosomal dominant inheritance. Affected: yes.

PreventionGenetics, part of Exact Sciences
Classification: Benign for FLG-related condition. Last evaluated: 2019-11-08. Review status: no assertion criteria provided. Collection method: clinical testing. Allele origin: germline. Not counted in ClinVar's aggregate classification.
Comment: This variant is classified as benign based on ACMG/AMP sequence variant interpretation guidelines (Richards et al. 2015 PMID: 25741868, with internal and published modifications).